The following is an entry in ClinVar:

ClinVar aggregate classification (germline): Uncertain significance (1 of 4 stars; one submission).

Conditions:
NRP2-related disorder. Also called: NRP2-related condition.

gnomAD v4.1: 16 of 1,613,402 alleles (0.00099%); highest among the groups gnomAD compares: Non-Finnish European, 0.0014%; no homozygotes.

Submission:

PreventionGenetics, part of Exact Sciences
Classification: Uncertain significance for NRP2-related condition. Last evaluated: 2025-03-19. Review status: criteria provided, single submitter. Criteria: ACMG Guidelines, 2015. Collection method: clinical testing. Allele origin: germline.
Comment: The NRP2 c.2599G>T variant is predicted to result in the amino acid substitution p.Asp867Tyr. To our knowledge, this variant has not been reported in the literature or in a large population database (gnomAD), indicating this variant is rare. At this time, the clinical significance of this variant is uncertain due to the absence of conclusive functional and genetic evidence.

NM_003872.3(NRP2):c.2425+9616G>T

Gene: NRP2 (neuropilin 2; plus strand). Cytogenetic location: 2q33.3.
Variant type: single nucleotide variant.
Coding change: c.2425+9616G>T on transcript NM_003872.3 (MANE Select); 9616 bases into the intron after coding-DNA position 2425, G replaced by T.
Molecular consequence: intron variant. On other transcripts: missense variant (2).
Genome position (GRCh38, 1-based): chr2:205,776,419, G>T. VCF-style: chr2-205776419-G-T. GRCh37 (hg19) VCF-style: chr2-206641143-G-T.
Other names: c.2614G>T, p.Asp872Tyr (NM_018534.4); c.2599G>T, p.Asp867Tyr (NM_201267.2); c.2440+9601G>T (NM_201266.2); c.2425+9616G>T (NM_201279.2); short protein forms D867Y, D872Y.
Identifiers: ClinVar variation 4977282 (VCV004977282.1).